The following is an entry in ClinVar:

NM_000548.5(TSC2):c.3362_3368del (p.Ser1121fs)

Gene: TSC2 (TSC complex subunit 2; plus strand). Cytogenetic location: 16p13.3.
Variant type: Deletion.
Coding change: c.3362_3368del on transcript NM_000548.5 (MANE Select); coding-DNA positions 3362 to 3368, 7 bases deleted (CCCGTGG; older notation c.3362_3368delCCCGTGG).
Protein change: p.Ser1121fs; shifts the reading frame from serine 1121.
Molecular consequence: frameshift variant. On other transcripts: non-coding transcript variant (5).
Genome position (GRCh38, 1-based): chr16:2,079,634-2,079,640, CCCGTGG deleted. VCF-style (leftmost placement, unchanged base first): chr16-2079633-TCCCGTGG-T. GRCh37 (hg19) VCF-style: chr16-2129634-TCCCGTGG-T.
Other names: c.1886_1892del, p.Ser629fs (NM_001406691.1, NM_001406695.1, NM_001406696.1 and 1 more transcripts); c.1889_1895del, p.Ser630fs (NM_001406692.1, NM_001406693.1, NM_001406694.1 and 1 more transcripts); c.1628_1634del, p.Ser543fs (NM_001406698.1); c.3233_3239del, p.Ser1078fs (NM_021055.3, NM_001363528.2, NM_001370405.1); c.3230_3236del, p.Ser1077fs (NM_001077183.3, NM_001370404.1, NM_001406665.1); c.3362_3368del, p.Ser1121fs (NM_001114382.3); c.3122_3128del, p.Ser1041fs (NM_001318827.2); c.3086_3092del, p.Ser1029fs (NM_001318829.2); and 18 more; short protein forms S1040fs, S1041fs, S1058fs, S1078fs, S1088fs, S629fs, S921fs, S1029fs.
Identifiers: ClinVar variation 3657353 (VCV003657353.2).

ClinVar aggregate classification (germline): Pathogenic (1 of 4 stars; one submission).

Conditions:
Tuberous sclerosis 2 (TSC2). Identifiers: Orphanet 805, MedGen C1860707, MONDO:0013199, OMIM 613254.

Submission:

Labcorp Genetics (formerly Invitae), Labcorp
Classification: Pathogenic for Tuberous sclerosis 2. Last evaluated: 2024-06-22. Review status: criteria provided, single submitter. Criteria: Invitae Variant Classification Sherloc (09022015). Collection method: clinical testing. Allele origin: germline.
Comment: This sequence change creates a premature translational stop signal (p.Ser1121Trpfs*68) in the TSC2 gene. It is expected to result in an absent or disrupted protein product. Loss-of-function variants in TSC2 are known to be pathogenic (PMID: 10205261, 17304050). This variant is not present in population databases (gnomAD no frequency). This variant has not been reported in the literature in individuals affected with TSC2-related conditions. Algorithms developed to predict the effect of sequence changes on RNA splicing suggest that this variant may disrupt the consensus splice site. For these reasons, this variant has been classified as Pathogenic.

Literature cited by the submitters: PubMed 10205261; PubMed 17304050.